The following is an entry in ClinVar:

ClinVar aggregate classification (germline): Uncertain significance (1 of 4 stars; one submission).

Conditions:
Pontocerebellar hypoplasia type 1B. Also called: EXOSC3 Pontocerebellar Hypoplasia. Identifiers: Orphanet 2254, MedGen C3553449, MONDO:0013853, OMIM 614678.

Allele frequency attached by ClinVar (database versions not stated): gnomAD 0.00001; TOPMed 0.00001.
gnomAD v4.1: 37 of 1,606,240 alleles (0.0023%); highest among the groups gnomAD compares: Admixed American, 0.0034%; no homozygotes.

Submission:

Labcorp Genetics (formerly Invitae), Labcorp
Classification: Uncertain significance for Pontocerebellar hypoplasia type 1B. Last evaluated: 2022-09-13. Review status: criteria provided, single submitter. Criteria: Invitae Variant Classification Sherloc (09022015). Collection method: clinical testing. Allele origin: germline.
Comment: This sequence change replaces proline, which is neutral and non-polar, with glutamine, which is neutral and polar, at codon 52 of the EXOSC3 protein (p.Pro52Gln). The frequency data for this variant in the population databases is considered unreliable, as metrics indicate poor data quality at this position in the gnomAD database. This variant has not been reported in the literature in individuals affected with EXOSC3-related conditions. Algorithms developed to predict the effect of missense changes on protein structure and function output the following: SIFT: "Tolerated"; PolyPhen-2: "Benign"; Align-GVGD: "Class C0". The glutamine amino acid residue is found in multiple mammalian species, which suggests that this missense change does not adversely affect protein function. In summary, the available evidence is currently insufficient to determine the role of this variant in disease. Therefore, it has been classified as a Variant of Uncertain Significance.

NM_016042.4(EXOSC3):c.155C>A (p.Pro52Gln)

Gene: EXOSC3 (exosome component 3; minus strand). Cytogenetic location: 9p13.2.
Variant type: single nucleotide variant.
Coding change: c.155C>A on transcript NM_016042.4 (MANE Select); coding-DNA position 155, C replaced by A.
Protein change: p.Pro52Gln; replaces proline 52 with glutamine.
Molecular consequence: missense variant.
Genome position (GRCh38, 1-based): chr9:37,784,890, G>T on the plus strand (C>A on the coding strand, the complement: EXOSC3 is on the minus strand). VCF-style: chr9-37784890-G-T. GRCh37 (hg19) VCF-style: chr9-37784887-G-T.
Other names: c.155C>A, p.Pro52Gln (NM_001002269.2); short protein forms P52Q.
Identifiers: ClinVar variation 1925552 (VCV001925552.2), dbSNP rs766811932, ClinGen allele CA5062845.
Genomic context (GRCh38, chr9:37,784,890, plus strand): 5'-CGAAGGCCCGGACCGCATACAACGCGCACCCGCGAGCACGCTCTAGCATTCAGGCTCAAC[G>T]GTCGCTCCACTGCACCCCCAGGGCCTTCCGCGTCCTCCTGTTCCGGCAGGAGCAGCTCCT-3'
Protein context (NP_057126.2, residues 42-62): AEGPGGAVER[Pro52Gln]LSLNARACSR